The following is an entry in ClinVar:

NM_005359.6(SMAD4):c.1381C>T (p.Gln461Ter)

Gene: SMAD4 (SMAD family member 4; plus strand). Cytogenetic location: 18q21.2.
Variant type: single nucleotide variant.
Coding change: c.1381C>T on transcript NM_005359.6 (MANE Select); coding-DNA position 1381, C replaced by T.
Protein change: p.Gln461Ter; replaces glutamine 461 with a stop codon.
Molecular consequence: nonsense.
Genome position (GRCh38, 1-based): chr18:51,076,710, C>T. VCF-style: chr18-51076710-C-T. GRCh37 (hg19) VCF-style: chr18-48603080-C-T.
Other names: short protein forms Q461*.
Identifiers: ClinVar variation 819062 (VCV000819062.7), dbSNP rs1599204140, ClinGen allele CA402465261.
Genomic context (GRCh38, chr18:51,076,710, plus strand): 5'-CGTCAGTGTCATCGACAGATGCAGCAGCAGGCGGCTACTGCACAAGCTGCAGCAGCTGCC[C>T]AGGCAGCAGCCGTGGCAGGAAACATCCCTGGCCCAGGATCAGTAGGTGGAATAGCTCCAG-3'

ClinVar aggregate classification (germline): Pathogenic. Review status: criteria provided, multiple submitters, no conflicts (2 of 4 stars). 2 submissions from 2 submitters: Pathogenic (2). Last evaluated 2025-11-27.

Conditions:
Familial thoracic aortic aneurysm and aortic dissection (TAAD). Also called: Thoracic aortic aneurysms and dissections. Identifiers: Orphanet 91387, MedGen C4707243, MONDO:0019625.
Hereditary cancer-predisposing syndrome. Also called: Hereditary Cancer Syndrome; Neoplastic Syndromes, Hereditary; Hereditary neoplastic syndrome; Tumor predisposition. Identifiers: Orphanet 140162, MedGen C0027672, MeSH D009386, MONDO:0015356.
Juvenile polyposis syndrome (JPS). Identifiers: Orphanet 2929, MedGen C0345893, MONDO:0017380, OMIM 174900.

Submissions (2):

Labcorp Genetics (formerly Invitae), Labcorp
Classification: Pathogenic for Juvenile polyposis syndrome. Last evaluated: 2025-11-27. Review status: criteria provided, single submitter. Criteria: Invitae Variant Classification Sherloc (09022015). Collection method: clinical testing. Allele origin: germline.
Comment: This sequence change creates a premature translational stop signal (p.Gln461*) in the SMAD4 gene. It is expected to result in an absent or disrupted protein product. Loss-of-function variants in SMAD4 are known to be pathogenic (PMID: 16152648, 16436638, 22810475). This variant is not present in population databases (gnomAD no frequency). This variant has not been reported in the literature in individuals affected with SMAD4-related conditions. ClinVar contains an entry for this variant (Variation ID: 819062). For these reasons, this variant has been classified as Pathogenic.

Ambry Genetics
Classification: Pathogenic for Hereditary cancer-predisposing syndrome; Familial thoracic aortic aneurysm and aortic dissection. Last evaluated: 2018-01-16. Review status: criteria provided, single submitter. Criteria: Ambry Variant Classification Scheme 2023. Collection method: clinical testing. Allele origin: germline.
Comment: The p.Q461* pathogenic mutation (also known as c.1381C>T), located in coding exon 10 of the SMAD4 gene, results from a C to T substitution at nucleotide position 1381. This changes the amino acid from a glutamine to a stop codon within coding exon 10. This alteration is expected to result in loss of function by premature protein truncation or nonsense-mediated mRNA decay. As such, this alteration is interpreted as a disease-causing mutation.

Literature cited by the submitters: PubMed 16152648 (cited by Labcorp Genetics (formerly Invitae), Labcorp); PubMed 16436638 (cited by Labcorp Genetics (formerly Invitae), Labcorp); PubMed 22810475 (cited by Labcorp Genetics (formerly Invitae), Labcorp).